The following is an entry in ClinVar:

NM_012079.6(DGAT1):c.1270C>G (p.Arg424Gly)

Gene: DGAT1 (diacylglycerol O-acyltransferase 1; minus strand). Cytogenetic location: 8q24.3.
Variant type: single nucleotide variant.
Coding change: c.1270C>G on transcript NM_012079.6 (MANE Select); coding-DNA position 1270, C replaced by G.
Protein change: p.Arg424Gly; replaces arginine 424 with glycine.
Molecular consequence: missense variant.
Genome position (GRCh38, 1-based): chr8:144,316,894, G>C on the plus strand (C>G on the coding strand, the complement: DGAT1 is on the minus strand). VCF-style: chr8-144316894-G-C. GRCh37 (hg19) VCF-style: chr8-145540557-G-C.
Other names: short protein forms R424G.
Identifiers: ClinVar variation 3700457 (VCV003700457.2).
Genomic context (GRCh38, chr8:144,316,894, plus strand): 5'-CCACGTGGGGGTCACTCACCTGAGCCATCATGCCCGTGAACGCCCAGAGGCGGAACATTC[G>C]CAGAGGGACGCTCACCAGGTACTGAGATGGGAGGGAGAGAGGATGCCAGGGAGTGGGGTG-3'
Protein context (NP_036211.2, residues 414-434): FHEYLVSVPL[Arg424Gly]MFRLWAFTGM

ClinVar aggregate classification (germline): Uncertain significance (1 of 4 stars; one submission).

gnomAD v4.1: 2 of 1,612,156 alleles (0.00012%); highest among the groups gnomAD compares: Middle Eastern, 0.016%; no homozygotes.

Submission:

Labcorp Genetics (formerly Invitae), Labcorp
Classification: Uncertain significance. Last evaluated: 2024-04-11. Review status: criteria provided, single submitter. Criteria: Invitae Variant Classification Sherloc (09022015). Collection method: clinical testing. Allele origin: germline.
Comment: This sequence change replaces arginine, which is basic and polar, with glycine, which is neutral and non-polar, at codon 424 of the DGAT1 protein (p.Arg424Gly). This variant is present in population databases (no rsID available, gnomAD 0.006%). This variant has not been reported in the literature in individuals affected with DGAT1-related conditions. Advanced modeling of protein sequence and biophysical properties (such as structural, functional, and spatial information, amino acid conservation, physicochemical variation, residue mobility, and thermodynamic stability) performed at Invitae indicates that this missense variant is not expected to disrupt DGAT1 protein function with a negative predictive value of 80%. In summary, the available evidence is currently insufficient to determine the role of this variant in disease. Therefore, it has been classified as a Variant of Uncertain Significance.